The following is an entry in ClinVar:

NM_000051.4(ATM):c.2590A>G (p.Ser864Gly)

Gene: ATM (ATM serine/threonine kinase; plus strand). Cytogenetic location: 11q22.3.
Variant type: single nucleotide variant.
Coding change: c.2590A>G on transcript NM_000051.4 (MANE Select); coding-DNA position 2590, A replaced by G.
Protein change: p.Ser864Gly; replaces serine 864 with glycine.
Molecular consequence: missense variant.
Genome position (GRCh38, 1-based): chr11:108,267,294, A>G. VCF-style: chr11-108267294-A-G. GRCh37 (hg19) VCF-style: chr11-108138021-A-G.
Other names: c.2590A>G, p.Ser864Gly (NM_001351834.2); short protein forms S864G.
Identifiers: ClinVar variation 233343 (VCV000233343.17), dbSNP rs764842086, ClinGen allele CA6265064.

ClinVar aggregate classification (germline): Conflicting classifications of pathogenicity. Review status: criteria provided, conflicting classifications (1 of 4 stars). 3 submissions from 3 submitters: Uncertain significance (2); Likely benign (1). Last evaluated 2026-01-18.

Conditions:
Hereditary cancer-predisposing syndrome. Also called: Tumor predisposition; Hereditary Cancer Syndrome; Hereditary neoplastic syndrome; Neoplastic Syndromes, Hereditary. Identifiers: Orphanet 140162, MedGen C0027672, MeSH D009386, MONDO:0015356.
Ataxia-telangiectasia syndrome (AT). Also called: Ataxia telangiectasia (A-T); LOUIS-BAR SYNDROME; Cerebello-oculocutaneous telangiectasia; Immunodeficiency with ataxia telangiectasia; ATAXIA-TELANGIECTASIA, COMPLEMENTATION GROUP A; ATAXIA-TELANGIECTASIA, FRESNO VARIANT. Identifiers: Orphanet 100, MedGen C0004135, MONDO:0008840, OMIM 208900.

Allele frequency attached by ClinVar (database versions not stated): gnomAD exomes below 0.00001 and 0.00001; ExAC 0.00002.
gnomAD v4.1: 2 of 1,614,132 alleles (0.00012%); highest among the groups gnomAD compares: Admixed American, 0.0033%; no homozygotes.

Submissions (3):

Labcorp Genetics (formerly Invitae), Labcorp
Classification: Uncertain significance for Ataxia-telangiectasia syndrome. Last evaluated: 2026-01-18. Review status: criteria provided, single submitter. Criteria: Invitae Variant Classification Sherloc (09022015). Collection method: clinical testing. Allele origin: germline.
Comment: This sequence change replaces serine, which is neutral and polar, with glycine, which is neutral and non-polar, at codon 864 of the ATM protein (p.Ser864Gly). This variant is present in population databases (rs764842086, gnomAD 0.006%). This variant has not been reported in the literature in individuals affected with ATM-related conditions. ClinVar contains an entry for this variant (Variation ID: 233343). Invitae Evidence Modeling of protein sequence and biophysical properties (such as structural, functional, and spatial information, amino acid conservation, physicochemical variation, residue mobility, and thermodynamic stability) indicates that this missense variant is not expected to disrupt ATM protein function with a negative predictive value of 95%. In summary, the available evidence is currently insufficient to determine the role of this variant in disease. Therefore, it has been classified as a Variant of Uncertain Significance.

Ambry Genetics
Classification: Likely benign for Hereditary cancer-predisposing syndrome. Last evaluated: 2024-11-22. Review status: criteria provided, single submitter. Criteria: Ambry Variant Classification Scheme 2023. Collection method: clinical testing. Allele origin: germline.

Color Diagnostics, LLC DBA Color Health
Classification: Uncertain significance for Hereditary cancer-predisposing syndrome. Last evaluated: 2023-12-04. Review status: criteria provided, single submitter. Criteria: ACMG Guidelines, 2015. Collection method: clinical testing. Allele origin: germline.
Comment: This missense variant replaces serine with glycine at codon 864 of the ATM protein. Computational prediction suggests that this variant may not impact protein structure and function (internally defined REVEL score threshold <= 0.5, PMID: 27666373). To our knowledge, functional studies have not been reported for this variant. This variant has not been reported in individuals affected with ATM-related disorders in the literature. This variant has been identified in 2/251434 chromosomes in the general population by the Genome Aggregation Database (gnomAD). The available evidence is insufficient to determine the role of this variant in disease conclusively. Therefore, this variant is classified as a Variant of Uncertain Significance.